The following is an entry in ClinVar:

NM_000535.7(PMS2):c.116del (p.Val39fs)

Gene: PMS2 (PMS1 homolog 2, mismatch repair system component; minus strand). Cytogenetic location: 7p22.1.
Variant type: Deletion.
Coding change: c.116del on transcript NM_000535.7 (MANE Select); coding-DNA position 116, one base deleted (T; older notation c.116delT).
Protein change: p.Val39fs; shifts the reading frame from valine 39.
Molecular consequence: frameshift variant. On other transcripts: 5 prime UTR variant (8), non-coding transcript variant (1), intron variant (3).
Genome position (GRCh38, 1-based): chr7:6,005,939, A deleted on the plus strand (T on the coding strand, the reverse complement: PMS2 is on the minus strand). VCF-style (leftmost placement, unchanged base first): chr7-6005938-TA-T. GRCh37 (hg19) VCF-style: chr7-6045569-TA-T.
Other names: c.-290del (NM_001322003.2, NM_001322005.2, NM_001322009.2 and 1 more transcripts); c.116del, p.Val39fs (NM_001322006.2, NM_001322014.2); c.-100del (NM_001322007.2); c.-769del (NM_001322011.2, NM_001322012.2); c.-369del (NM_001322015.2); c.-52-1881del (NM_001322008.2); c.-242-1881del (NM_001322010.2, NM_001322004.2); c.116delT (NM_000535.5); and 1 more; short protein forms V39fs.
Identifiers: ClinVar variation 419857 (VCV000419857.14), dbSNP rs1064794152, ClinGen allele CA16618545.

ClinVar aggregate classification (germline): Pathogenic/Likely pathogenic. Review status: criteria provided, multiple submitters, no conflicts (2 of 4 stars). 5 submissions from 5 submitters: Pathogenic (4); Likely pathogenic (1). Last evaluated 2026-01-21.

Conditions:
Hereditary nonpolyposis colorectal neoplasms. Identifiers: MedGen C0009405, MeSH D003123.
Lynch syndrome 4 (LYNCH4). Also called: Hereditary non-polyposis colorectal cancer, type 4; Colorectal cancer, hereditary nonpolyposis, type 4. Identifiers: Orphanet 144, MedGen C1838333, MONDO:0013699, OMIM 614337. Disease mechanism: loss of function.
Hereditary cancer-predisposing syndrome. Also called: Hereditary neoplastic syndrome; Tumor predisposition; Neoplastic Syndromes, Hereditary; Hereditary Cancer Syndrome. Identifiers: Orphanet 140162, MedGen C0027672, MeSH D009386, MONDO:0015356.

Submissions (5):

Labcorp Genetics (formerly Invitae), Labcorp
Classification: Pathogenic for Hereditary nonpolyposis colorectal neoplasms. Last evaluated: 2026-01-21. Review status: criteria provided, single submitter. Criteria: Invitae Variant Classification Sherloc (09022015). Collection method: clinical testing. Allele origin: germline.
Comment: This sequence change creates a premature translational stop signal (p.Val39Glufs*4) in the PMS2 gene. It is expected to result in an absent or disrupted protein product. Loss-of-function variants in PMS2 are known to be pathogenic (PMID: 21376568, 24362816). This variant is not present in population databases (gnomAD no frequency). This variant has not been reported in the literature in individuals affected with PMS2-related conditions. ClinVar contains an entry for this variant (Variation ID: 419857). For these reasons, this variant has been classified as Pathogenic.

Quest Diagnostics Nichols Institute San Juan Capistrano
Classification: Likely pathogenic. Last evaluated: 2025-01-22. Review status: criteria provided, single submitter. Criteria: Quest Diagnostics criteria. Collection method: clinical testing. Allele origin: unknown.
Comment: The PMS2 c.116del (p.Val39Glufs*4) variant alters the translational reading frame of the PMS2 mRNA and is predicted to cause the premature termination of PMS2 protein synthesis. This variant has not been reported in individuals with PMS2-related conditions in the published literature. This variant has not been reported in large, multi-ethnic general populations (Genome Aggregation Database). Based on the available information, this variant is classified as likely pathogenic.

GeneDx
Classification: Pathogenic. Last evaluated: 2024-06-21. Review status: criteria provided, single submitter. Criteria: GeneDx Variant Classification Process June 2021. Collection method: clinical testing. Allele origin: germline. Affected: yes.
Comment: Frameshift variant predicted to result in protein truncation or nonsense mediated decay in a gene for which loss of function is a known mechanism of disease; Not observed at significant frequency in large population cohorts (gnomAD); Truncating variants in this gene are considered pathogenic by a well-established clinical consortium and/or database; Has not been previously published as pathogenic or benign to our knowledge; This variant is associated with the following publications: (PMID: 21376568, 24362816)

Myriad Genetics, Inc.
Classification: Pathogenic for Lynch syndrome 4. Last evaluated: 2023-09-18. Review status: criteria provided, single submitter. Criteria: Myriad Autosomal Dominant, Autosomal Recessive and X-Linked Classification Criteria (2023). Collection method: clinical testing. Allele origin: unknown.
Comment: This variant is considered pathogenic. This variant creates a frameshift predicted to result in premature protein truncation.

Ambry Genetics
Classification: Pathogenic for Hereditary cancer-predisposing syndrome. Last evaluated: 2021-12-01. Review status: criteria provided, single submitter. Criteria: Ambry Variant Classification Scheme 2023. Collection method: clinical testing. Allele origin: germline.
Comment: The c.116delT pathogenic mutation, located in coding exon 2 of the PMS2 gene, results from a deletion of one nucleotide at nucleotide position 116, causing a translational frameshift with a predicted alternate stop codon (p.V39Efs*4). This variant has been identified in a proband(s) whose Lynch syndrome-associated tumor demonstrated loss of PMS2 expression by immunohistochemistry (Ambry internal data). This variant is considered to be rare based on population cohorts in the Genome Aggregation Database (gnomAD). This alteration is expected to result in loss of function by premature protein truncation or nonsense-mediated mRNA decay. As such, this alteration is interpreted as a disease-causing mutation.

Literature cited by the submitters: PubMed 21376568 (cited by Labcorp Genetics (formerly Invitae), Labcorp); PubMed 24362816 (cited by Labcorp Genetics (formerly Invitae), Labcorp).